The following is an entry in ClinVar:

NM_024675.4(PALB2):c.2238A>G (p.Ala746=)

Gene: PALB2 (partner and localizer of BRCA2; minus strand). Cytogenetic location: 16p12.2.
Variant type: single nucleotide variant.
Coding change: c.2238A>G on transcript NM_024675.4 (MANE Select); coding-DNA position 2238, A replaced by G.
Protein change: p.Ala746=; no amino-acid change (alanine 746 retained).
Molecular consequence: synonymous variant.
Genome position (GRCh38, 1-based): chr16:23,629,916, T>C on the plus strand (A>G on the coding strand, the complement: PALB2 is on the minus strand). VCF-style: chr16-23629916-T-C. GRCh37 (hg19) VCF-style: chr16-23641237-T-C.
Identifiers: ClinVar variation 820936 (VCV000820936.14), dbSNP rs1597089677, ClinGen allele CA494461039.

ClinVar aggregate classification (germline): Benign/Likely benign. Review status: criteria provided, multiple submitters, no conflicts (2 of 4 stars). 3 submissions from 3 submitters: Benign (1); Likely benign (2). Last evaluated 2025-01-15.

Conditions:
Familial cancer of breast. Also called: BREAST CANCER, FAMILIAL; Hereditary breast cancer; hereditary breast carcinoma. Identifiers: Orphanet 227535, MedGen C0346153, MONDO:0016419, OMIM 114480. Disease mechanism: loss of function.
Hereditary cancer-predisposing syndrome. Also called: Neoplastic Syndromes, Hereditary; Tumor predisposition; Hereditary Cancer Syndrome; Hereditary neoplastic syndrome. Identifiers: Orphanet 140162, MedGen C0027672, MeSH D009386, MONDO:0015356.

Allele frequency attached by ClinVar (database versions not stated): gnomAD exomes below 0.00001.
gnomAD v4.1: 1 of 1,614,228 alleles (0.000062%); no homozygotes.

Submissions (3):

Myriad Genetics, Inc.
Classification: Benign for Familial cancer of breast. Last evaluated: 2025-01-15. Review status: criteria provided, single submitter. Criteria: Myriad Autosomal Dominant, Autosomal Recessive and X-Linked Classification Criteria (2023). Collection method: clinical testing. Allele origin: unknown.
Comment: This variant is considered benign. This variant is a silent/synonymous amino acid change and it is not expected to impact splicing.

Labcorp Genetics (formerly Invitae), Labcorp
Classification: Likely benign for Familial cancer of breast. Last evaluated: 2024-11-27. Review status: criteria provided, single submitter. Criteria: Invitae Variant Classification Sherloc (09022015). Collection method: clinical testing. Allele origin: germline.

Ambry Genetics
Classification: Likely benign for Hereditary cancer-predisposing syndrome. Last evaluated: 2018-03-28. Review status: criteria provided, single submitter. Criteria: Ambry Variant Classification Scheme 2023. Collection method: clinical testing. Allele origin: germline.